The following is an entry in ClinVar:

NM_032776.3(JMJD1C):c.6701A>G (p.Asn2234Ser)

Gene: JMJD1C (jumonji domain containing 1C; minus strand). Cytogenetic location: 10q21.3.
Variant type: single nucleotide variant.
Coding change: c.6701A>G on transcript NM_032776.3 (MANE Select); coding-DNA position 6701, A replaced by G.
Protein change: p.Asn2234Ser; replaces asparagine 2234 with serine.
Molecular consequence: missense variant. On other transcripts: non-coding transcript variant (1).
Genome position (GRCh38, 1-based): chr10:63,186,253, T>C on the plus strand (A>G on the coding strand, the complement: JMJD1C is on the minus strand). VCF-style: chr10-63186253-T-C. GRCh37 (hg19) VCF-style: chr10-64946013-T-C.
Other names: c.6044A>G, p.Asn2015Ser (NM_001322258.2, NM_001322254.2); c.6155A>G, p.Asn2052Ser (NM_001282948.2, NM_001318154.2); c.5837A>G, p.Asn1946Ser (NM_001318153.2); c.6587A>G, p.Asn2196Ser (NM_001322252.2); c.6701A>G (NM_032776.1); short protein forms N2234S, N1946S, N2196S, N2015S, N2052S.
Identifiers: ClinVar variation 1039646 (VCV001039646.9), dbSNP rs1040108326, ClinGen allele CA208353124.

ClinVar aggregate classification (germline): Uncertain significance. Review status: criteria provided, multiple submitters, no conflicts (2 of 4 stars). 2 submissions from 2 submitters: Uncertain significance (2). Last evaluated 2025-08-31.

Conditions:
Early Myoclonic Encephalopathy. Identifiers: MedGen C0270855.

Allele frequency attached by ClinVar (database versions not stated): gnomAD exomes 0.00001; TOPMed 0.00001; gnomAD 0.00001.
gnomAD v4.1: 9 of 1,611,836 alleles (0.00056%); highest among the groups gnomAD compares: South Asian, 0.0011%; no homozygotes.

Submissions (2):

Ambry Genetics
Classification: Uncertain significance. Last evaluated: 2025-08-31. Review status: criteria provided, single submitter. Criteria: Ambry Variant Classification Scheme 2023. Collection method: clinical testing. Allele origin: germline.

Labcorp Genetics (formerly Invitae), Labcorp
Classification: Uncertain significance for Early Myoclonic Encephalopathy. Last evaluated: 2022-09-07. Review status: criteria provided, single submitter. Criteria: Invitae Variant Classification Sherloc (09022015). Collection method: clinical testing. Allele origin: germline.
Comment: Algorithms developed to predict the effect of missense changes on protein structure and function output the following: SIFT: "Tolerated"; PolyPhen-2: "Benign"; Align-GVGD: "Class C0". The serine amino acid residue is found in multiple mammalian species, which suggests that this missense change does not adversely affect protein function. In summary, the available evidence is currently insufficient to determine the role of this variant in disease. Therefore, it has been classified as a Variant of Uncertain Significance. Algorithms developed to predict the effect of sequence changes on RNA splicing suggest that this variant may create or strengthen a splice site. ClinVar contains an entry for this variant (Variation ID: 1039646). This variant has not been reported in the literature in individuals affected with JMJD1C-related conditions. This variant is not present in population databases (gnomAD no frequency). This sequence change replaces asparagine, which is neutral and polar, with serine, which is neutral and polar, at codon 2234 of the JMJD1C protein (p.Asn2234Ser).